The following is an entry in ClinVar:

NM_001129.5(AEBP1):c.3273_3296dup (p.Thr1103_Lys1104insGluValGluProGluPheGlyThr)

Gene: AEBP1 (AE binding protein 1; plus strand). Cytogenetic location: 7p13.
Variant type: Duplication.
Coding change: c.3273_3296dup on transcript NM_001129.5 (MANE Select); coding-DNA positions 3273 to 3296, 24 bases duplicated (AGAGTTTGGGACCGAGGTGGAGCC).
Protein change: p.Thr1103_Lys1104insGluValGluProGluPheGlyThr.
Genome position (GRCh38, 1-based): chr7:44,114,057-44,114,080, AGAGTTTGGGACCGAGGTGGAGCC duplicated; duplicating any 24 consecutive bases within chr7:44,114,056-44,114,080 gives the same sequence; the c. name uses the placement nearest the transcript's 3' end. VCF-style (leftmost placement, unchanged base first): chr7-44114055-A-ACAGAGTTTGGGACCGAGGTGGAGC. GRCh37 (hg19) VCF-style: chr7-44153654-A-ACAGAGTTTGGGACCGAGGTGGAGC.
Other names: p.Glu1096_Thr1103dup.
Identifiers: ClinVar variation 2682973 (VCV002682973.1), dbSNP rs2484366449, ClinGen allele CA2697557248.

ClinVar aggregate classification (germline): Uncertain significance (1 of 4 stars; one submission).

Submission:

Mayo Clinic Laboratories, Mayo Clinic
Classification: Uncertain significance. Last evaluated: 2023-06-07. Review status: criteria provided, single submitter. Criteria: ACMG Guidelines, 2015. Collection method: clinical testing. Allele origin: germline. Observed: 1 variant allele.
Comment: PM2_supporting, PM4